The following is an entry in ClinVar:

ClinVar aggregate classification (germline): Uncertain significance. Review status: criteria provided, multiple submitters, no conflicts (2 of 4 stars). 2 submissions from 2 submitters: Uncertain significance (2). Last evaluated 2024-02-26.

Conditions:
Brugada syndrome 8 (BRGDA8). Identifiers: Orphanet 130, MedGen C2751083, MONDO:0013148, OMIM 613123.
Cardiovascular phenotype. Identifiers: MedGen CN230736.

gnomAD v4.1: 4 of 1,598,704 alleles (0.00025%); highest among the groups gnomAD compares: South Asian, 0.0045%; no homozygotes.

Submissions (2):

Labcorp Genetics (formerly Invitae), Labcorp
Classification: Uncertain significance for Brugada syndrome 8. Last evaluated: 2024-02-26. Review status: criteria provided, single submitter. Criteria: Invitae Variant Classification Sherloc (09022015). Collection method: clinical testing. Allele origin: germline.
Comment: This sequence change replaces serine, which is neutral and polar, with phenylalanine, which is neutral and non-polar, at codon 1197 of the HCN4 protein (p.Ser1197Phe). This variant is present in population databases (rs777242276, gnomAD 0.004%). This variant has not been reported in the literature in individuals affected with HCN4-related conditions. ClinVar contains an entry for this variant (Variation ID: 1732991). Advanced modeling of protein sequence and biophysical properties (such as structural, functional, and spatial information, amino acid conservation, physicochemical variation, residue mobility, and thermodynamic stability) performed at Invitae indicates that this missense variant is not expected to disrupt HCN4 protein function with a negative predictive value of 95%. In summary, the available evidence is currently insufficient to determine the role of this variant in disease. Therefore, it has been classified as a Variant of Uncertain Significance.

Ambry Genetics
Classification: Uncertain significance for Cardiovascular phenotype. Last evaluated: 2021-02-05. Review status: criteria provided, single submitter. Criteria: Ambry Variant Classification Scheme 2023. Collection method: clinical testing. Allele origin: germline.
Comment: The p.S1197F variant (also known as c.3590C>T), located in coding exon 8 of the HCN4 gene, results from a C to T substitution at nucleotide position 3590. The serine at codon 1197 is replaced by phenylalanine, an amino acid with highly dissimilar properties. This amino acid position is highly conserved in available vertebrate species. In addition, the in silico prediction for this alteration is inconclusive. Since supporting evidence is limited at this time, the clinical significance of this alteration remains unclear.

NM_005477.3(HCN4):c.3590C>T (p.Ser1197Phe)

Gene: HCN4 (hyperpolarization activated cyclic nucleotide gated potassium channel 4; minus strand). Cytogenetic location: 15q24.1.
Variant type: single nucleotide variant.
Coding change: c.3590C>T on transcript NM_005477.3 (MANE Select); coding-DNA position 3590, C replaced by T.
Protein change: p.Ser1197Phe; replaces serine 1197 with phenylalanine.
Molecular consequence: missense variant.
Genome position (GRCh38, 1-based): chr15:73,322,503, G>A on the plus strand (C>T on the coding strand, the complement: HCN4 is on the minus strand). VCF-style: chr15-73322503-G-A. GRCh37 (hg19) VCF-style: chr15-73614844-G-A.
Other names: short protein forms S1197F.
Identifiers: ClinVar variation 1732991 (VCV001732991.4), dbSNP rs777242276, ClinGen allele CA7648796.
Genomic context (GRCh38, chr15:73,322,503, plus strand): 5'-AGAGAAAAGAAGAAAGAAGAGGGAAGGAAGGGCCCAGCTCATAGATTGGATGGCAGTTTG[G>A]AGCGCACTGGCTCAGGCCTGGCCCCAGGTTCCCTCTGGGGTCCAGCAGTCAGAGGGGGCC-3'
Protein context (NP_005468.1, residues 1187-1203): EPGARPEPVR[Ser1197Phe]KLPSNL